The following is an entry in ClinVar:

ClinVar aggregate classification (germline): Benign/Likely benign. Review status: criteria provided, multiple submitters, no conflicts (2 of 4 stars). 4 submissions from 4 submitters: Benign (1); Likely benign (3). Last evaluated 2026-07-01.

Conditions:
MORC2-related disorder. Also called: MORC2-related condition.
Charcot-Marie-Tooth disease axonal type 2Z. Also called: CHARCOT-MARIE-TOOTH DISEASE, AXONAL, AUTOSOMAL DOMINANT, TYPE 2Z; CHARCOT-MARIE-TOOTH NEUROPATHY, TYPE 2Z. Identifiers: Orphanet 466768, MedGen C5569025, MONDO:0014736, OMIM 616688.

Allele frequency attached by ClinVar (database versions not stated): ExAC 0.00007; gnomAD exomes 0.00010; gnomAD 0.00011 and 0.00012; TOPMed 0.00011; ESP Exome Variant Server 0.00015.

Submissions (4):

CeGaT Center for Human Genetics Tuebingen
Classification: Likely benign. Last evaluated: 2026-07-01. Review status: criteria provided, single submitter. Criteria: CeGaT Center For Human Genetics Tuebingen Variant Classification Criteria Version 2. Collection method: clinical testing. Allele origin: germline. Affected: yes. Observed: 2 variant alleles.
Comment: MORC2: BP4, BP7

Women's Health and Genetics/Laboratory Corporation of America, LabCorp
Classification: Benign. Last evaluated: 2026-03-17. Review status: criteria provided, single submitter. Criteria: LabCorp Variant Classification Summary - May 2015. Collection method: clinical testing. Allele origin: germline.

Labcorp Genetics (formerly Invitae), Labcorp
Classification: Likely benign for Charcot-Marie-Tooth disease axonal type 2Z. Last evaluated: 2025-09-14. Review status: criteria provided, single submitter. Criteria: Invitae Variant Classification Sherloc (09022015). Collection method: clinical testing. Allele origin: germline.

PreventionGenetics, part of Exact Sciences
Classification: Likely benign for MORC2-related condition. Last evaluated: 2025-07-25. Review status: criteria provided, single submitter. Criteria: ACMG Guidelines, 2015. Collection method: clinical testing. Allele origin: germline.
Comment: This variant is classified as likely benign based on ACMG/AMP sequence variant interpretation guidelines (Richards et al. 2015 PMID: 25741868, with internal and published modifications).

NM_001303256.3(MORC2):c.2724C>T (p.Ile908=)

Gene: MORC2 (MORC family CW-type zinc finger 2; minus strand). Cytogenetic location: 22q12.2.
Variant type: single nucleotide variant.
Coding change: c.2724C>T on transcript NM_001303256.3 (MANE Select); coding-DNA position 2724, C replaced by T.
Protein change: p.Ile908=; no amino-acid change (isoleucine 908 retained).
Molecular consequence: synonymous variant.
Genome position (GRCh38, 1-based): chr22:30,932,568, G>A on the plus strand (C>T on the coding strand, the complement: MORC2 is on the minus strand). VCF-style: chr22-30932568-G-A. GRCh37 (hg19) VCF-style: chr22-31328555-G-A.
Other names: c.2724C>T, p.Ile908= (NM_001303257.2); c.2538C>T, p.Ile846= (NM_014941.3).
Identifiers: ClinVar variation 475586 (VCV000475586.16), dbSNP rs147997704, ClinGen allele CA10186581.